The following is an entry in ClinVar:

NM_001286445.3(RIPOR2):c.368C>T (p.Thr123Met)

Gene: RIPOR2 (RHO family interacting cell polarization regulator 2; minus strand). Cytogenetic location: 6p22.3.
Variant type: single nucleotide variant.
Coding change: c.368C>T on transcript NM_001286445.3 (MANE Select); coding-DNA position 368, C replaced by T.
Protein change: p.Thr123Met; replaces threonine 123 with methionine.
Molecular consequence: missense variant.
Genome position (GRCh38, 1-based): chr6:24,872,936, G>A on the plus strand (C>T on the coding strand, the complement: RIPOR2 is on the minus strand). VCF-style: chr6-24872936-G-A. GRCh37 (hg19) VCF-style: chr6-24873164-G-A.
Other names: c.281C>T (NM_014722.4); c.383C>T, p.Thr128Met (NM_001286446.3); c.281C>T, p.Thr94Met (NM_001286447.2, NM_001346031.2, NM_001346032.2 and 2 more transcripts); short protein forms T123M, T128M, T94M.
Identifiers: ClinVar variation 1317346 (VCV001317346.10), dbSNP rs145166802, ClinGen allele CA3659560.

ClinVar aggregate classification (germline): Conflicting classifications of pathogenicity. Review status: criteria provided, conflicting classifications (1 of 4 stars). 3 submissions from 3 submitters: Uncertain significance (2); Likely benign (1). Last evaluated 2026-01-23.

Conditions:
RIPOR2-related disorder. Also called: RIPOR2-related condition.

Allele frequency attached by ClinVar (database versions not stated): 1000 Genomes Project 30x 0.00062; 1000 Genomes Project 0.00080.
gnomAD v4.1: 90 of 1,611,444 alleles (0.0056%); highest among the groups gnomAD compares: East Asian, 0.082%; 1 homozygote.

Submissions (3):

PreventionGenetics, part of Exact Sciences
Classification: Uncertain significance for RIPOR2-related condition. Last evaluated: 2026-01-23. Review status: criteria provided, single submitter. Criteria: ACMG Guidelines, 2015. Collection method: clinical testing. Allele origin: germline.
Comment: The RIPOR2 c.281C>T variant is predicted to result in the amino acid substitution p.Thr94Met. To our knowledge, this variant has not been reported in the literature. This variant is reported in 0.17% of alleles in individuals of East Asian descent in gnomAD. Although we suspect that this variant may be benign, at this time, the clinical significance of this variant is uncertain due to the absence of conclusive functional and genetic evidence.

Labcorp Genetics (formerly Invitae), Labcorp
Classification: Uncertain significance. Last evaluated: 2024-10-09. Review status: criteria provided, single submitter. Criteria: Invitae Variant Classification Sherloc (09022015). Collection method: clinical testing. Allele origin: germline.
Comment: This sequence change replaces threonine, which is neutral and polar, with methionine, which is neutral and non-polar, at codon 94 of the FAM65B protein (p.Thr94Met). This variant is present in population databases (rs145166802, gnomAD 0.2%), and has an allele count higher than expected for a pathogenic variant. This variant has not been reported in the literature in individuals affected with FAM65B-related conditions. ClinVar contains an entry for this variant (Variation ID: 1317346). An algorithm developed to predict the effect of missense changes on protein structure and function (PolyPhen-2) suggests that this variant is likely to be disruptive. In summary, the available evidence is currently insufficient to determine the role of this variant in disease. Therefore, it has been classified as a Variant of Uncertain Significance.

GeneDx
Classification: Likely benign. Last evaluated: 2020-03-20. Review status: criteria provided, single submitter. Criteria: GeneDx Variant Classification Process June 2021. Collection method: clinical testing. Allele origin: germline. Affected: yes.